The following is an entry in ClinVar:

NM_001291815.2(HMCN2):c.10896C>T (p.Asp3632=)

Gene: HMCN2 (hemicentin 2; plus strand). Cytogenetic location: 9q34.11.
Variant type: single nucleotide variant.
Coding change: c.10896C>T on transcript NM_001291815.2 (MANE Select); coding-DNA position 10896, C replaced by T.
Protein change: p.Asp3632=; no amino-acid change (aspartic acid 3632 retained).
Molecular consequence: synonymous variant.
Genome position (GRCh38, 1-based): chr9:130,395,332, C>T. VCF-style: chr9-130395332-C-T. GRCh37 (hg19) VCF-style: chr9-133270719-C-T.
Identifiers: ClinVar variation 2659597 (VCV002659597.24), dbSNP rs116972695, ClinGen allele CA5282459.

ClinVar aggregate classification (germline): Likely benign (1 of 4 stars; one submission).

Allele frequency attached by ClinVar (database versions not stated): 1000 Genomes Project 0.00260; 1000 Genomes Project 30x 0.00265; ExAC 0.00298; TOPMed 0.00628; gnomAD 0.00667.
gnomAD v4.1: 10,928 of 1,288,534 alleles (0.85%); highest among the groups gnomAD compares: Non-Finnish European, 1%; 54 homozygotes.

Submission:

CeGaT Center for Human Genetics Tuebingen
Classification: Likely benign. Last evaluated: 2022-10-01. Review status: criteria provided, single submitter. Criteria: CeGaT Center For Human Genetics Tuebingen Variant Classification Criteria Version 2. Collection method: clinical testing. Allele origin: germline. Affected: yes. Observed: 1 variant allele.
Comment: HMCN2: BP4, BP7